The following is an entry in ClinVar:

NM_021147.5(CCNO):c.208G>A (p.Gly70Ser)

Gene: CCNO (cyclin O; minus strand). Cytogenetic location: 5q11.2.
Variant type: single nucleotide variant.
Coding change: c.208G>A on transcript NM_021147.5 (MANE Select); coding-DNA position 208, G replaced by A.
Protein change: p.Gly70Ser; replaces glycine 70 with serine.
Molecular consequence: missense variant. On other transcripts: non-coding transcript variant (2).
Genome position (GRCh38, 1-based): chr5:55,233,316, C>T on the plus strand (G>A on the coding strand, the complement: CCNO is on the minus strand). VCF-style: chr5-55233316-C-T. GRCh37 (hg19) VCF-style: chr5-54529144-C-T.
Other names: p.Gly70Ser; c.208G>A (NM_021147.3); short protein forms G70S.
Identifiers: ClinVar variation 846075 (VCV000846075.8), dbSNP rs369830529, ClinGen allele CA359724963.

ClinVar aggregate classification (germline): Uncertain significance. Review status: criteria provided, multiple submitters, no conflicts (2 of 4 stars). 3 submissions from 3 submitters: Uncertain significance (3). Last evaluated 2025-10-01.

Conditions:
Inborn genetic diseases. Identifiers: MedGen C0950123, MeSH D030342.
Primary ciliary dyskinesia. Also called: Ciliary dyskinesia. Identifiers: Orphanet 244, MedGen C0008780, MONDO:0016575, HP:0012265.

Allele frequency attached by ClinVar (database versions not stated): TOPMed 0.00003; gnomAD exomes below 0.00001; gnomAD 0.00001.
gnomAD v4.1: 3 of 1,599,140 alleles (0.00019%); highest among the groups gnomAD compares: African/African-American, 0.0027%; no homozygotes.

Submissions (3):

Ambry Genetics
Classification: Uncertain significance for Inborn genetic diseases. Last evaluated: 2025-10-01. Review status: criteria provided, single submitter. Criteria: Ambry Variant Classification Scheme 2023. Collection method: clinical testing. Allele origin: germline.

Mayo Clinic Laboratories, Mayo Clinic
Classification: Uncertain significance. Last evaluated: 2024-08-23. Review status: criteria provided, single submitter. Criteria: ACMG Guidelines, 2015. Collection method: clinical testing. Allele origin: germline. Observed: 1 variant allele.
Comment: BP4

Labcorp Genetics (formerly Invitae), Labcorp
Classification: Uncertain significance for Primary ciliary dyskinesia. Last evaluated: 2021-08-26. Review status: criteria provided, single submitter. Criteria: Invitae Variant Classification Sherloc (09022015). Collection method: clinical testing. Allele origin: germline.
Comment: This sequence change replaces glycine with serine at codon 70 of the CCNO protein (p.Gly70Ser). The glycine residue is weakly conserved and there is a small physicochemical difference between glycine and serine. This variant is not present in population databases (ExAC no frequency). This variant has not been reported in the literature in individuals affected with CCNO-related conditions. Algorithms developed to predict the effect of missense changes on protein structure and function output the following: SIFT: "Tolerated"; PolyPhen-2: "Benign"; Align-GVGD: "Class C0". The serine amino acid residue is found in multiple mammalian species, which suggests that this missense change does not adversely affect protein function. In summary, the available evidence is currently insufficient to determine the role of this variant in disease. Therefore, it has been classified as a Variant of Uncertain Significance.